The following is an entry in ClinVar:

ClinVar aggregate classification (germline): Pathogenic. Review status: criteria provided, multiple submitters, no conflicts (2 of 4 stars). 3 submissions from 3 submitters: Pathogenic (3). Last evaluated 2024-05-29.

Conditions:
Glucocorticoid deficiency with achalasia (AAAS). Also called: Alacrima-achalasia-addisonianism; ACTH-resistant adrenal insufficiency, achalasia and alacrima; Glucocorticoid deficiency and achalasia; Hypoadrenalism with achalasia; AAA syndrome; Allgrove syndrome. Identifiers: Orphanet 869, MedGen C0271742, MONDO:0009279, OMIM 231550.

Allele frequency attached by ClinVar (database versions not stated): TOPMed 0.00001; ExAC 0.00002.

Submissions (3):

Fulgent Genetics
Classification: Pathogenic for Glucocorticoid deficiency with achalasia. Last evaluated: 2024-05-29. Review status: criteria provided, single submitter. Criteria: ACMG Guidelines, 2015. Collection method: clinical testing. Allele origin: germline.

Labcorp Genetics (formerly Invitae), Labcorp
Classification: Pathogenic. Last evaluated: 2024-01-28. Review status: criteria provided, single submitter. Criteria: Invitae Variant Classification Sherloc (09022015). Collection method: clinical testing. Allele origin: germline.
Comment: This sequence change creates a premature translational stop signal (p.Arg230*) in the AAAS gene. It is expected to result in an absent or disrupted protein product. Loss-of-function variants in AAAS are known to be pathogenic (PMID: 11159947). This variant is present in population databases (rs758057774, gnomAD 0.007%). This premature translational stop signal has been observed in individual(s) with Allgrove syndrome (PMID: 12429595). It has also been observed to segregate with disease in related individuals. ClinVar contains an entry for this variant (Variation ID: 841221). For these reasons, this variant has been classified as Pathogenic.

3billion
Classification: Pathogenic for Glucocorticoid deficiency with achalasia. Last evaluated: 2022-05-22. Review status: criteria provided, single submitter. Criteria: ACMG Guidelines, 2015. Collection method: clinical testing. Allele origin: germline. Affected: yes. Observed: 1 heterozygote.
Comment: The variant is observed at an extremely low frequency in the gnomAD v2.1.1 dataset (total allele frequency: 0.002%). Stop-gained (nonsense): predicted to result in a loss or disruption of normal protein function through nonsense-mediated decay (NMD) or protein truncation. Multiple pathogenic variants are reported downstream of the variant. The variant has been reported to be associated with AAAS related disorder (ClinVar ID: VCV000841221). Therefore, this variant is classified as pathogenic according to the recommendation of ACMG/AMP guideline.

Literature cited by the submitters: PubMed 11159947 (cited by Labcorp Genetics (formerly Invitae), Labcorp); PubMed 12429595 (cited by Labcorp Genetics (formerly Invitae), Labcorp).

NM_015665.6(AAAS):c.688C>T (p.Arg230Ter)

Gene: AAAS (aladin WD repeat nucleoporin; minus strand). Cytogenetic location: 12q13.13.
Variant type: single nucleotide variant.
Coding change: c.688C>T on transcript NM_015665.6 (MANE Select); coding-DNA position 688, C replaced by T.
Protein change: p.Arg230Ter; replaces arginine 230 with a stop codon.
Molecular consequence: nonsense.
Genome position (GRCh38, 1-based): chr12:53,314,299, G>A on the plus strand (C>T on the coding strand, the complement: AAAS is on the minus strand). VCF-style: chr12-53314299-G-A. GRCh37 (hg19) VCF-style: chr12-53708083-G-A.
Other names: c.589C>T, p.Arg197Ter (NM_001173466.2); short protein forms R197*, R230*.
Identifiers: ClinVar variation 841221 (VCV000841221.13), dbSNP rs758057774, ClinGen allele CA6599137.